The following is an entry in ClinVar:

ClinVar aggregate classification (germline): Uncertain significance (1 of 4 stars; one submission).

Conditions:
Hereditary cancer-predisposing syndrome. Also called: Hereditary Cancer Syndrome; Hereditary neoplastic syndrome; Neoplastic Syndromes, Hereditary; Tumor predisposition. Identifiers: Orphanet 140162, MedGen C0027672, MeSH D009386, MONDO:0015356.

gnomAD v4.1: 1 of 1,612,326 alleles (0.000062%); highest among the groups gnomAD compares: East Asian, 0.0022%; no homozygotes.

Submission:

Ambry Genetics
Classification: Uncertain significance for Hereditary cancer-predisposing syndrome. Last evaluated: 2021-06-03. Review status: criteria provided, single submitter. Criteria: Ambry Variant Classification Scheme 2023. Collection method: clinical testing. Allele origin: germline.
Comment: The p.P151A variant (also known as c.451C>G), located in coding exon 1 of the AXIN2 gene, results from a C to G substitution at nucleotide position 451. The proline at codon 151 is replaced by alanine, an amino acid with highly similar properties. This amino acid position is highly conserved in available vertebrate species. In addition, this alteration is predicted to be tolerated by in silico analysis. Since supporting evidence is limited at this time, the clinical significance of this alteration remains unclear.

NM_004655.4(AXIN2):c.451C>G (p.Pro151Ala)

Gene: AXIN2 (axin 2; minus strand). Cytogenetic location: 17q24.1.
Variant type: single nucleotide variant.
Coding change: c.451C>G on transcript NM_004655.4 (MANE Select); coding-DNA position 451, C replaced by G.
Protein change: p.Pro151Ala; replaces proline 151 with alanine.
Molecular consequence: missense variant.
Genome position (GRCh38, 1-based): chr17:65,558,170, G>C on the plus strand (C>G on the coding strand, the complement: AXIN2 is on the minus strand). VCF-style: chr17-65558170-G-C. GRCh37 (hg19) VCF-style: chr17-63554288-G-C.
Other names: c.451C>G, p.Pro151Ala (NM_001363813.1); short protein forms P151A.
Identifiers: ClinVar variation 1741190 (VCV001741190.2), dbSNP rs2144585741, ClinGen allele CA400681348.